The following is an entry in ClinVar:

ClinVar aggregate classification (germline): Uncertain significance (1 of 4 stars; one submission).

Conditions:
MHC class I deficiency. Identifiers: Orphanet 34592, MedGen C6024714, MONDO:0011476.

Submission:

Labcorp Genetics (formerly Invitae), Labcorp
Classification: Uncertain significance for MHC class I deficiency 1. Last evaluated: 2021-07-14. Review status: criteria provided, single submitter. Criteria: Invitae Variant Classification Sherloc (09022015). Collection method: clinical testing. Allele origin: germline.
Comment: This sequence change replaces cysteine with glycine at codon 12 of the TAP1 protein (p.Cys12Gly). The cysteine residue is weakly conserved and there is a large physicochemical difference between cysteine and glycine. The frequency data for this variant in the population databases is considered unreliable, as metrics indicate insufficient coverage at this position in the ExAC database. This variant has not been reported in the literature in individuals affected with TAP1-related conditions. Algorithms developed to predict the effect of missense changes on protein structure and function output the following: SIFT: "Tolerated"; PolyPhen-2: "Not Available"; Align-GVGD: "Class C0". The glycine amino acid residue is found in multiple mammalian species, which suggests that this missense change does not adversely affect protein function. In summary, the available evidence is currently insufficient to determine the role of this variant in disease. Therefore, it has been classified as a Variant of Uncertain Significance.

NC_000006.12:g.32853783A>C

Gene: TAP1 (transporter 1, ATP binding cassette subfamily B member; minus strand). Cytogenetic location: 6p21.32.
Variant type: single nucleotide variant.
Genome position: GRCh38 VCF-style: chr6-32853783-A-C. GRCh37 (hg19) VCF-style: chr6-32821560-A-C.
Identifiers: ClinVar variation 1505169 (VCV001505169.8), dbSNP rs765553023, ClinGen allele CA363584584.